The following is an entry in ClinVar:

ClinVar aggregate classification (germline): Pathogenic (1 of 4 stars; one submission).

Conditions:
Meckel-Gruber syndrome. Also called: DYSENCEPHALIA SPLANCHNOCYSTICA; GRUBER SYNDROME; Dysencephalia splachnocystica. Identifiers: Orphanet 564, MedGen C0265215, MONDO:0018921.
Joubert syndrome. Also called: CEREBELLOPARENCHYMAL DISORDER IV; JOUBERT-BOLTSHAUSER SYNDROME; Familial aplasia of the vermis. Identifiers: Orphanet 475, MedGen C5979921, MONDO:0018772.

Submission:

Labcorp Genetics (formerly Invitae), Labcorp
Classification: Pathogenic for Joubert syndrome; Meckel-Gruber syndrome. Last evaluated: 2019-08-08. Review status: criteria provided, single submitter. Criteria: Invitae Variant Classification Sherloc (09022015). Collection method: clinical testing. Allele origin: germline.
Comment: This variant is an out-of-frame deletion of the genomic region encompassing exons 23-24 of the RPGRIP1L gene. This is expected to create a premature translational stop signal and result in an absent or disrupted protein product. This variant has not been reported in the literature in individuals with RPGRIP1L-related disease. Loss-of-function variants in RPGRIP1L are known to be pathogenic (PMID: 17558409). For these reasons, this variant has been classified as Pathogenic.

NC_000016.10:g.(?_53619025)_(53622456_?)del

Gene: RPGRIP1L (RPGRIP1 like; minus strand). Cytogenetic location: 16q12.2.
Variant type: Deletion.
Identifiers: ClinVar variation 830842 (VCV000830842.1).